The following is an entry in ClinVar:

NM_001374353.1(GLI2):c.3976C>T (p.Leu1326Phe)

Gene: GLI2 (GLI family zinc finger 2; plus strand). Cytogenetic location: 2q14.2.
Variant type: single nucleotide variant.
Coding change: c.3976C>T on transcript NM_001374353.1 (MANE Select); coding-DNA position 3976, C replaced by T.
Protein change: p.Leu1326Phe; replaces leucine 1326 with phenylalanine.
Molecular consequence: missense variant.
Genome position (GRCh38, 1-based): chr2:120,989,941, C>T. VCF-style: chr2-120989941-C-T. GRCh37 (hg19) VCF-style: chr2-121747517-C-T.
Other names: c.4027C>T, p.Leu1343Phe (NM_001371271.1, NM_005270.5); c.3601C>T, p.Leu1201Phe (NM_001374354.1); short protein forms L1201F, L1343F, L1326F.
Identifiers: ClinVar variation 4790912 (VCV004790912.2).

ClinVar aggregate classification (germline): Uncertain significance. Review status: criteria provided, multiple submitters, no conflicts (2 of 4 stars). 2 submissions from 2 submitters: Uncertain significance (2). Last evaluated 2025-10-19.

Conditions:
Holoprosencephaly 9 (HPE9). Also called: PITUITARY ANOMALIES WITH HOLOPROSENCEPHALY-LIKE FEATURES; HOLOPROSENCEPHALY WITH MICROPHTHALMIA AND FIRST BRANCHIAL ARCH ANOMALIES. Identifiers: Orphanet 2162, MedGen C1835819, MONDO:0012563, OMIM 610829.
Postaxial polydactyly-anterior pituitary anomalies-facial dysmorphism syndrome. Also called: Culler-Jones syndrome. Identifiers: Orphanet 420584, MedGen C4014479, MONDO:0014369, OMIM 615849.

gnomAD v4.1: 9 of 1,611,394 alleles (0.00056%); highest among the groups gnomAD compares: Non-Finnish European, 0.00076%; no homozygotes.

Submissions (2):

Labcorp Genetics (formerly Invitae), Labcorp
Classification: Uncertain significance for Postaxial polydactyly-anterior pituitary anomalies-facial dysmorphism syndrome; Holoprosencephaly 9. Last evaluated: 2025-10-19. Review status: criteria provided, single submitter. Criteria: Invitae Variant Classification Sherloc (09022015). Collection method: clinical testing. Allele origin: germline.
Comment: This sequence change replaces leucine, which is neutral and non-polar, with phenylalanine, which is neutral and non-polar, at codon 1343 of the GLI2 protein (p.Leu1343Phe). This variant is not present in population databases (gnomAD no frequency). This variant has not been reported in the literature in individuals affected with GLI2-related conditions. Invitae Evidence Modeling of protein sequence and biophysical properties (such as structural, functional, and spatial information, amino acid conservation, physicochemical variation, residue mobility, and thermodynamic stability) indicates that this missense variant is not expected to disrupt GLI2 protein function with a negative predictive value of 80%. In summary, the available evidence is currently insufficient to determine the role of this variant in disease. Therefore, it has been classified as a Variant of Uncertain Significance.

Blueprint Genetics
Classification: Uncertain significance. Last evaluated: 2024-01-03. Review status: criteria provided, single submitter. Criteria: ACMG Guidelines, 2015. Collection method: clinical testing. Allele origin: germline.